The following is an entry in ClinVar:

ClinVar aggregate classification (germline): Uncertain significance (1 of 4 stars; one submission).

Conditions:
Hereditary cancer-predisposing syndrome. Also called: Neoplastic Syndromes, Hereditary; Tumor predisposition; Hereditary Cancer Syndrome; Hereditary neoplastic syndrome. Identifiers: Orphanet 140162, MedGen C0027672, MeSH D009386, MONDO:0015356.

Submission:

Ambry Genetics
Classification: Uncertain significance for Hereditary cancer-predisposing syndrome. Last evaluated: 2026-03-06. Review status: criteria provided, single submitter. Criteria: Ambry Variant Classification Scheme 2023. Collection method: clinical testing. Allele origin: germline.
Comment: The p.V236D variant (also known as c.707T>A), located in coding exon 7 of the SMARCE1 gene, results from a T to A substitution at nucleotide position 707. The valine at codon 236 is replaced by aspartic acid, an amino acid with highly dissimilar properties. This amino acid position is conserved. In addition, this alteration is predicted to be deleterious by in silico analysis. Based on the available evidence, the clinical significance of this variant remains unclear.

NM_003079.5(SMARCE1):c.707T>A (p.Val236Asp)

Gene: SMARCE1 (SWI/SNF related BAF chromatin remodeling complex subunit E1; minus strand). Cytogenetic location: 17q21.2.
Variant type: single nucleotide variant.
Coding change: c.707T>A on transcript NM_003079.5 (MANE Select); coding-DNA position 707, T replaced by A.
Protein change: p.Val236Asp; replaces valine 236 with aspartic acid.
Molecular consequence: missense variant.
Genome position (GRCh38, 1-based): chr17:40,632,202, A>T on the plus strand (T>A on the coding strand, the complement: SMARCE1 is on the minus strand). VCF-style: chr17-40632202-A-T. GRCh37 (hg19) VCF-style: chr17-38788454-A-T.
Other names: short protein forms V236D.
Identifiers: ClinVar variation 4826351 (VCV004826351.1).